The following is an entry in ClinVar:

NM_001190415.2(TAF6):c.52+2T>C

Genes: CNPY4 (canopy FGF signaling regulator 4; plus strand), TAF6 (TATA-box binding protein associated factor 6; minus strand), LOC129998899 (ATAC-STARR-seq lymphoblastoid active region 26338; plus strand). Cytogenetic location: 7q22.1.
Variant type: single nucleotide variant.
Coding change: c.52+2T>C on transcript NM_001190415.2; the canonical splice donor site of the intron after coding-DNA position 52, T replaced by C.
Molecular consequence: splice donor variant. On other transcripts: 5 prime UTR variant (1).
Genome position (GRCh38, 1-based): chr7:100,119,693, A>G on the plus strand (T>C on the coding strand, the complement: TAF6 is on the minus strand). VCF-style: chr7-100119693-A-G. GRCh37 (hg19) VCF-style: chr7-99717316-A-G.
Other names: c.-52A>G (NM_152755.2).
Identifiers: ClinVar variation 2356213 (VCV002356213.2), dbSNP rs185765560, ClinGen allele CA4375870.
Genomic context (GRCh38, chr7:100,119,693, plus strand): 5'-CCTTCCTCGGCTGGATTTAAGGTTGCCGCTAGCCGCCTGGGAATTTAAGGGACCCACACT[A>G]CCTTCCCGAAGTTGAAGGCAAGCGGTGATTGTTTGTAGACGGCGCTTTGTCATGGGACCT-3'

ClinVar aggregate classification (germline): Uncertain significance (1 of 4 stars; one submission).

Conditions:
Inborn genetic diseases. Identifiers: MedGen C0950123, MeSH D030342.

Allele frequency attached by ClinVar (database versions not stated): gnomAD 0.00005; gnomAD exomes 0.00003; ExAC 0.00011; 1000 Genomes Project 30x 0.00031; TOPMed 0.00005; 1000 Genomes Project 0.00020.
gnomAD v4.1: 53 of 1,613,588 alleles (0.0033%); highest among the groups gnomAD compares: Admixed American, 0.085%; no homozygotes.

Submission:

Ambry Genetics
Classification: Uncertain significance for Inborn genetic diseases. Last evaluated: 2021-05-18. Review status: criteria provided, single submitter. Criteria: Ambry Variant Classification Scheme 2023. Collection method: clinical testing. Allele origin: germline.
Comment: The c.52+2T>C intronic alteration consists of a T to C substitution nucleotides after coding exon 1 in the TAF6 gene. In silico splice site analysis predicts that this alteration will not have any significant effect on splicing. Based on insufficient or conflicting evidence, the clinical significance of this alteration remains unclear.